The following is an entry in ClinVar:

ClinVar aggregate classification (germline): Uncertain significance (1 of 4 stars; one submission).

Conditions:
SLC35A2-congenital disorder of glycosylation. Also called: EPILEPTIC ENCEPHALOPATHY, EARLY INFANTILE, 22; DEVELOPMENTAL AND EPILEPTIC ENCEPHALOPATHY 22; CDG IIm; CONGENITAL DISORDER OF GLYCOSYLATION, TYPE IIm, SOMATIC MOSAIC; CONGENITAL DISORDER OF GLYCOSYLATION, TYPE IIm; SLC35A2-CDG. Identifiers: Orphanet 356961, MedGen C3806688, MONDO:0010478, OMIM 300896.

Submission:

Labcorp Genetics (formerly Invitae), Labcorp
Classification: Uncertain significance for SLC35A2-congenital disorder of glycosylation. Last evaluated: 2022-11-01. Review status: criteria provided, single submitter. Criteria: Invitae Variant Classification Sherloc (09022015). Collection method: clinical testing. Allele origin: germline.
Comment: Algorithms developed to predict the effect of missense changes on protein structure and function (SIFT, PolyPhen-2, Align-GVGD) all suggest that this variant is likely to be disruptive. In summary, the available evidence is currently insufficient to determine the role of this variant in disease. Therefore, it has been classified as a Variant of Uncertain Significance. This variant has not been reported in the literature in individuals affected with SLC35A2-related conditions. This variant is not present in population databases (gnomAD no frequency). This sequence change replaces serine, which is neutral and polar, with phenylalanine, which is neutral and non-polar, at codon 302 of the SLC35A2 protein (p.Ser302Phe).

NM_005660.3(SLC35A2):c.905C>T (p.Ser302Phe)

Gene: SLC35A2 (solute carrier family 35 member A2; minus strand). Cytogenetic location: Xp11.23.
Variant type: single nucleotide variant.
Coding change: c.905C>T on transcript NM_005660.3 (MANE Select); coding-DNA position 905, C replaced by T.
Protein change: p.Ser302Phe; replaces serine 302 with phenylalanine.
Molecular consequence: missense variant. On other transcripts: intron variant (3).
Genome position (GRCh38, 1-based): chrX:48,905,004, G>A on the plus strand (C>T on the coding strand, the complement: SLC35A2 is on the minus strand). VCF-style: chrX-48905004-G-A. GRCh37 (hg19) VCF-style: chrX-48762281-G-A.
Other names: c.427-112C>T (NM_001282647.2, NM_001032289.3); c.355-112C>T (NM_001282648.2); c.905C>T, p.Ser302Phe (NM_001042498.3); c.722C>T, p.Ser241Phe (NM_001282649.2); c.944C>T, p.Ser315Phe (NM_001282650.2); c.989C>T, p.Ser330Phe (NM_001282651.2); short protein forms S241F, S330F, S302F, S315F.
Identifiers: ClinVar variation 2809048 (VCV002809048.3), dbSNP rs2519644675, ClinGen allele CA412894881.